The following is an entry in ClinVar:

NM_004247.4(EFTUD2):c.628A>C (p.Asn210His)

Gene: EFTUD2 (elongation factor Tu GTP binding domain containing 2; minus strand). Cytogenetic location: 17q21.31.
Variant type: single nucleotide variant.
Coding change: c.628A>C on transcript NM_004247.4 (MANE Select); coding-DNA position 628, A replaced by C.
Protein change: p.Asn210His; replaces asparagine 210 with histidine.
Molecular consequence: missense variant.
Genome position (GRCh38, 1-based): chr17:44,879,630, T>G on the plus strand (A>C on the coding strand, the complement: EFTUD2 is on the minus strand). VCF-style: chr17-44879630-T-G. GRCh37 (hg19) VCF-style: chr17-42956998-T-G.
Other names: c.523A>C, p.Asn175His (NM_001142605.2); c.628A>C, p.Asn210His (NM_001258353.2); c.598A>C, p.Asn200His (NM_001258354.2); short protein forms N175H, N210H, N200H.
Identifiers: ClinVar variation 1367172 (VCV001367172.10), dbSNP rs751674101, ClinGen allele CA8608015.

ClinVar aggregate classification (germline): Conflicting classifications of pathogenicity. Review status: criteria provided, conflicting classifications (1 of 4 stars). 3 submissions from 3 submitters: Uncertain significance (1); Likely benign (2). Last evaluated 2025-12-23.

Conditions:
Inborn genetic diseases. Identifiers: MedGen C0950123, MeSH D030342.

Allele frequency attached by ClinVar (database versions not stated): gnomAD 0.00001 and 0.00002; TOPMed 0.00002; gnomAD exomes 0.00004 and 0.00010; ExAC 0.00012.
gnomAD v4.1: 26 of 1,613,642 alleles (0.0016%); highest among the groups gnomAD compares: Admixed American, 0.043%; no homozygotes.

Submissions (3):

Labcorp Genetics (formerly Invitae), Labcorp
Classification: Uncertain significance. Last evaluated: 2025-12-23. Review status: criteria provided, single submitter. Criteria: Invitae Variant Classification Sherloc (09022015). Collection method: clinical testing. Allele origin: germline.
Comment: This sequence change replaces asparagine, which is neutral and polar, with histidine, which is basic and polar, at codon 210 of the EFTUD2 protein (p.Asn210His). This variant is present in population databases (rs751674101, gnomAD 0.07%), and has an allele count higher than expected for a pathogenic variant. This variant has not been reported in the literature in individuals affected with EFTUD2-related conditions. ClinVar contains an entry for this variant (Variation ID: 1367172). Invitae Evidence Modeling of protein sequence and biophysical properties (such as structural, functional, and spatial information, amino acid conservation, physicochemical variation, residue mobility, and thermodynamic stability) indicates that this missense variant is expected to disrupt EFTUD2 protein function with a positive predictive value of 80%. In summary, the available evidence is currently insufficient to determine the role of this variant in disease. Therefore, it has been classified as a Variant of Uncertain Significance.

Ambry Genetics
Classification: Likely benign for Inborn genetic diseases. Last evaluated: 2025-06-29. Review status: criteria provided, single submitter. Criteria: Ambry Variant Classification Scheme 2023. Collection method: clinical testing. Allele origin: germline.

GeneDx
Classification: Likely benign. Last evaluated: 2021-06-07. Review status: criteria provided, single submitter. Criteria: GeneDx Variant Classification Process June 2021. Collection method: clinical testing. Allele origin: germline. Affected: yes.